The following is an entry in ClinVar:

ClinVar aggregate classification (germline): Uncertain significance (1 of 4 stars; one submission).

Allele frequency attached by ClinVar (database versions not stated): ExAC 0.00005; gnomAD 0.00007; TOPMed 0.00007; gnomAD exomes 0.00010; ESP Exome Variant Server 0.00023.
gnomAD v4.1: 162 of 1,614,024 alleles (0.01%); highest among the groups gnomAD compares: Non-Finnish European, 0.012%; no homozygotes.

Submission:

Labcorp Genetics (formerly Invitae), Labcorp
Classification: Uncertain significance. Last evaluated: 2022-12-17. Review status: criteria provided, single submitter. Criteria: Invitae Variant Classification Sherloc (09022015). Collection method: clinical testing. Allele origin: germline.
Comment: This sequence change replaces aspartic acid, which is acidic and polar, with asparagine, which is neutral and polar, at codon 88 of the TUBB1 protein (p.Asp88Asn). This variant is present in population databases (rs150551805, gnomAD 0.01%). This variant has not been reported in the literature in individuals affected with TUBB1-related conditions. Advanced modeling of protein sequence and biophysical properties (such as structural, functional, and spatial information, amino acid conservation, physicochemical variation, residue mobility, and thermodynamic stability) performed at Invitae indicates that this missense variant is not expected to disrupt TUBB1 protein function. In summary, the available evidence is currently insufficient to determine the role of this variant in disease. Therefore, it has been classified as a Variant of Uncertain Significance.

NM_030773.4(TUBB1):c.262G>A (p.Asp88Asn)

Gene: TUBB1 (tubulin beta 1 class VI; plus strand). Cytogenetic location: 20q13.32.
Variant type: single nucleotide variant.
Coding change: c.262G>A on transcript NM_030773.4 (MANE Select); coding-DNA position 262, G replaced by A.
Protein change: p.Asp88Asn; replaces aspartic acid 88 with asparagine.
Molecular consequence: missense variant.
Genome position (GRCh38, 1-based): chr20:59,023,585, G>A. VCF-style: chr20-59023585-G-A. GRCh37 (hg19) VCF-style: chr20-57598640-G-A.
Other names: short protein forms D88N.
Identifiers: ClinVar variation 2726516 (VCV002726516.3), dbSNP rs150551805, ClinGen allele CA9928436.